The following is an entry in ClinVar:

NM_198576.4(AGRN):c.2486G>A (p.Gly829Asp)

Gene: AGRN (agrin; plus strand). Cytogenetic location: 1p36.33.
Variant type: single nucleotide variant.
Coding change: c.2486G>A on transcript NM_198576.4 (MANE Select); coding-DNA position 2486, G replaced by A.
Protein change: p.Gly829Asp; replaces glycine 829 with aspartic acid.
Molecular consequence: missense variant.
Genome position (GRCh38, 1-based): chr1:1,045,473, G>A. VCF-style: chr1-1045473-G-A. GRCh37 (hg19) VCF-style: chr1-980853-G-A.
Other names: c.2486G>A, p.Gly829Asp (NM_001305275.2); c.2171G>A, p.Gly724Asp (NM_001364727.2); short protein forms G724D, G829D.
Identifiers: ClinVar variation 2149702 (VCV002149702.4), dbSNP rs767830695, ClinGen allele CA508646.

ClinVar aggregate classification (germline): Uncertain significance (1 of 4 stars; one submission).

Conditions:
Congenital myasthenic syndrome 8. Also called: Myasthenic syndrome, congenital, 8, with pre- and postsynaptic defects; MYASTHENIC SYNDROME, CONGENITAL, DUE TO AGRIN DEFICIENCY. Identifiers: Orphanet 590, MedGen C3808739, MONDO:0014052, OMIM 615120.

Allele frequency attached by ClinVar (database versions not stated): gnomAD exomes below 0.00001; ExAC 0.00001.

Submission:

Labcorp Genetics (formerly Invitae), Labcorp
Classification: Uncertain significance for Congenital myasthenic syndrome 8. Last evaluated: 2022-11-08. Review status: criteria provided, single submitter. Criteria: Invitae Variant Classification Sherloc (09022015). Collection method: clinical testing. Allele origin: germline.
Comment: This variant has not been reported in the literature in individuals affected with AGRN-related conditions. Algorithms developed to predict the effect of missense changes on protein structure and function are either unavailable or do not agree on the potential impact of this missense change (SIFT: "Deleterious"; PolyPhen-2: "Probably Damaging"; Align-GVGD: "Class C0"). In summary, the available evidence is currently insufficient to determine the role of this variant in disease. Therefore, it has been classified as a Variant of Uncertain Significance. This variant is present in population databases (rs767830695, gnomAD 0.003%). This sequence change replaces glycine, which is neutral and non-polar, with aspartic acid, which is acidic and polar, at codon 829 of the AGRN protein (p.Gly829Asp).